The following is an entry in ClinVar:

NM_004813.4(PEX16):c.527G>A (p.Arg176Gln)

Gene: PEX16 (peroxisomal biogenesis factor 16; minus strand). Cytogenetic location: 11p11.2.
Variant type: single nucleotide variant.
Coding change: c.527G>A on transcript NM_004813.4 (MANE Select); coding-DNA position 527, G replaced by A.
Protein change: p.Arg176Gln; replaces arginine 176 with glutamine.
Molecular consequence: missense variant.
Genome position (GRCh38, 1-based): chr11:45,914,618, C>T on the plus strand (G>A on the coding strand, the complement: PEX16 is on the minus strand). VCF-style: chr11-45914618-C-T. GRCh37 (hg19) VCF-style: chr11-45936169-C-T.
Other names: c.527G>A, p.Arg176Gln (NM_057174.3); short protein forms R176Q.
Identifiers: ClinVar variation 1969096 (VCV001969096.3), dbSNP rs771831186, ClinGen allele CA5959948.

ClinVar aggregate classification (germline): Uncertain significance (1 of 4 stars; one submission).

Conditions:
Peroxisome biogenesis disorder. Identifiers: Orphanet 79189, MedGen C1832200, MONDO:0019234. Disease mechanism: loss of function.

Allele frequency attached by ClinVar (database versions not stated): gnomAD exomes below 0.00001; ExAC 0.00001; gnomAD 0.00001.
gnomAD v4.1: 7 of 1,614,044 alleles (0.00043%); highest among the groups gnomAD compares: South Asian, 0.0033%; no homozygotes.

Submission:

Labcorp Genetics (formerly Invitae), Labcorp
Classification: Uncertain significance for Peroxisome biogenesis disorder. Last evaluated: 2025-04-10. Review status: criteria provided, single submitter. Criteria: Invitae Variant Classification Sherloc (09022015). Collection method: clinical testing. Allele origin: germline.
Comment: This sequence change replaces arginine, which is basic and polar, with glutamine, which is neutral and polar, at codon 176 of the PEX16 protein (p.Arg176Gln). This variant is present in population databases (rs771831186, gnomAD 0.003%). This variant has not been reported in the literature in individuals affected with PEX16-related conditions. ClinVar contains an entry for this variant (Variation ID: 1969096). Invitae Evidence Modeling of protein sequence and biophysical properties (such as structural, functional, and spatial information, amino acid conservation, physicochemical variation, residue mobility, and thermodynamic stability) indicates that this missense variant is expected to disrupt PEX16 protein function with a positive predictive value of 80%. In summary, the available evidence is currently insufficient to determine the role of this variant in disease. Therefore, it has been classified as a Variant of Uncertain Significance.